The following is an entry in ClinVar:

NM_012469.4(PRPF6):c.1180C>T (p.Arg394Trp)

Gene: PRPF6 (pre-mRNA processing factor 6; plus strand). Cytogenetic location: 20q13.33.
Variant type: single nucleotide variant.
Coding change: c.1180C>T on transcript NM_012469.4 (MANE Select); coding-DNA position 1180, C replaced by T.
Protein change: p.Arg394Trp; replaces arginine 394 with tryptophan.
Molecular consequence: missense variant.
Genome position (GRCh38, 1-based): chr20:64,001,233, C>T. VCF-style: chr20-64001233-C-T. GRCh37 (hg19) VCF-style: chr20-62632586-C-T.
Other names: short protein forms R394W.
Identifiers: ClinVar variation 2965779 (VCV002965779.4), dbSNP rs2517625371, ClinGen allele CA409721313.
Genomic context (GRCh38, chr20:64,001,233, plus strand): 5'-AGGATTTACATCAGAGCCGCAGAGCTGGAAACGGACATTCGTGCAAAGAAGCGGGTTCTT[C>T]GGAAAGGTGAGCCTCCCTCGGAGGTGCTGCTTTCTCCCTCCTTGGGGCCCCTCCTCTCAG-3'
Protein context (NP_036601.2, residues 384-404): TDIRAKKRVL[Arg394Trp]KALEHVPNSV

ClinVar aggregate classification (germline): Uncertain significance. Review status: criteria provided, multiple submitters, no conflicts (2 of 4 stars). 2 submissions from 2 submitters: Uncertain significance (2). Last evaluated 2023-06-27.

Allele frequency attached by ClinVar (database versions not stated): gnomAD exomes below 0.00001.
gnomAD v4.1: 1 of 1,614,242 alleles (0.000062%); highest among the groups gnomAD compares: East Asian, 0.0022%; no homozygotes.

Submissions (2):

Labcorp Genetics (formerly Invitae), Labcorp
Classification: Uncertain significance. Last evaluated: 2023-06-27. Review status: criteria provided, single submitter. Criteria: Invitae Variant Classification Sherloc (09022015). Collection method: clinical testing. Allele origin: germline.
Comment: This variant has not been reported in the literature in individuals affected with PRPF6-related conditions. This variant is not present in population databases (gnomAD no frequency). This sequence change replaces arginine, which is basic and polar, with tryptophan, which is neutral and slightly polar, at codon 394 of the PRPF6 protein (p.Arg394Trp). Advanced modeling of protein sequence and biophysical properties (such as structural, functional, and spatial information, amino acid conservation, physicochemical variation, residue mobility, and thermodynamic stability) has been performed at Invitae for this missense variant, however the output from this modeling did not meet the statistical confidence thresholds required to predict the impact of this variant on PRPF6 protein function. In summary, the available evidence is currently insufficient to determine the role of this variant in disease. Therefore, it has been classified as a Variant of Uncertain Significance.

Blueprint Genetics
Classification: Uncertain significance. Last evaluated: 2023-02-20. Review status: criteria provided, single submitter. Criteria: ACMG Guidelines, 2015. Collection method: clinical testing. Allele origin: germline.